The following continues an entry in ClinVar:

NM_007194.4(CHEK2):c.1100del (p.Thr367fs)

Gene: CHEK2. ClinVar aggregate classification (germline): Pathogenic. Pathogenic (76).

Submissions 7 to 18 of 99:

Genetics Laboratory, Great Ormond Street Hospital NHS Foundation Trust, North Thames Genomic Laboratory Hub
Classification: Pathogenic for Inherited prostate cancer. Last evaluated: 2026-02-09. Review status: criteria provided, single submitter. Criteria: CanVIG CHEK2 Gene Specific V1.2. Collection method: clinical testing. Allele origin: germline. Affected: yes.
Comment: PS4_strong, PVS1_very-strong

Labcorp Genetics (formerly Invitae), Labcorp
Classification: Pathogenic for Familial cancer of breast. Last evaluated: 2026-02-03. Review status: criteria provided, single submitter. Criteria: Invitae Variant Classification Sherloc (09022015). Collection method: clinical testing. Allele origin: germline.
Comment: This sequence change creates a premature translational stop signal (p.Thr367Metfs*15) in the CHEK2 gene. It is expected to result in an absent or disrupted protein product. Loss-of-function variants in CHEK2 are known to be pathogenic (PMID: 21876083, 24713400). This variant is present in population databases (rs555607708, gnomAD 0.9%), and has an allele count higher than expected for a pathogenic variant. This particular variant has been well described in the literature. In a large meta-analysis comprising 16 studies including 26,488 affected individuals and 27,402 controls, women heterozygous for this variant have a relative risk for familial breast cancer of 4.8 (95% CI, 3.3-7.2). The cumulative risk at age 70 years is 37% (95% CI, 26%-56%), compared to 7.8% for the average Caucasian woman in the general population (PMID: 18172190). Although one study has reported that the c.1100del variant confers an approximate 10-fold increased risk of male breast cancer (PMID: 11967536), the results have yet to be confirmed in further studies (PMID: 14648717, 14648718, 14648719, 15488637). ClinVar contains an entry for this variant (Variation ID: 128042). For these reasons, this variant has been classified as Pathogenic.

Variantyx, Inc.
Classification: Pathogenic for CHEK2-related cancer predisposition. Last evaluated: 2026-01-05. Review status: criteria provided, single submitter. Criteria: Variantyx Assertion Criteria 2022. Collection method: clinical testing. Allele origin: germline. Inheritance: Autosomal dominant inheritance. Affected: yes.
Comment: This is a frameshift variant in the CHEK2 gene (OMIM: 604373). Pathogenic variants in this gene have been associated with autosomal dominant tumor predisposition syndrome 4 with increased susceptibility to breast, colorectal, and prostate carcinoma. This variant introduces a premature termination codon in exon 11 out of 15 and is expected to result in loss of function, which is a known disease mechanism for CHEK2 in this disorder (PMID: 35674998) (PVS1). The alteration is an established founder variant in the Northern European population (PMID: 15492928) (PS4). Women heterozygous for this variant have been described with a relatively higher risk for familial breast cancer, compared to the average woman in the general population (PMID: 18172190). The maximum allele frequency in non-founder control populations of this variant is 0.2350%. Based on the current evidence, this variant is classified as pathogenic for autosomal dominant tumor predisposition syndrome 4 with increased susceptibility to breast, colorectal, and prostate carcinoma.

Center for Genomic Medicine, Rigshospitalet, Copenhagen University Hospital
Classification: Pathogenic. Last evaluated: 2025-12-29. Review status: criteria provided, single submitter. Criteria: ACMG Guidelines, 2015. Collection method: clinical testing. Allele origin: germline.

Rady Children's Institute for Genomic Medicine, Rady Children's Hospital San Diego
Classification: Pathogenic for CHEK2-related cancer susceptibility. Last evaluated: 2025-12-23. Review status: criteria provided, single submitter. Criteria: ACMG Guidelines, 2015. Collection method: clinical testing. Allele origin: germline. Affected: yes.
Comment: This frameshifting variant in exon 11 of 15 is predicted to result in loss of normal protein function through either protein truncation or nonsense-mediated mRNA decay. Based on two large case-control studies, the relative risk (RR) for female breast cancer associated with the c.1100del variant was 3.0 (90% CI, 2.6â€“3.5) (PMID: 26014596, 15122511, 23109706). In addition, a meta-analysis reported a RR of 1.88 (95% C.I. 1.29â€“2.73) for CHEK2 c.1100del and colorectal cancer (PMID: 23946381). This alteration has also been associated with an increased risk of prostate cancer (PMID: 26629066) and other cancers (PMID: 26884562, 21956126). The c.1100del (p.Thr367MetfsTer15) variant is present in the latest version of the gnomAD population database at an allele frequency of 0.21% (3467/1611346), including 5 homozygous individuals. Based on the available evidence, c.1100del (p.Thr367MetfsTer15) is classified as Pathogenic.

German Consortium for Hereditary Breast and Ovarian Cancer, University Hospital Cologne
Classification: Pathogenic for Hereditary breast ovarian cancer syndrome. Last evaluated: 2025-12-09. Review status: criteria provided, single submitter. Criteria: ACMG Guidelines, 2015. Collection method: curation. Allele origin: germline.
Comment: This classification follows the ACMG SVI adaptation classification scheme; We chose these criteria: PVS1 (very strong pathogenic): truncating variant within (c.139-1493), PS4 (strong pathogenic): OR 2.26-3.10 Stolarova 2023: OR, 2.73; 95% CI, 2.29–3.26 / Dorling 2021: OR 2.66 / Liang 2018 (in Stolarova 2023?): OR 2.89 (95% CI= 2.63-3.16) / Couch 2017: OR 2,31 / Schmidt 2016: OR 2.26 / Yang 2012 (in Stolarova 2023?): OR 2.75 (95% CI=2.25-3.36) / Zhang 2011: OR 3.10 , PM5 (supporting pathogenic): TF 8.7.2025: supportive of PVS1

Institute of Human Genetics, Heidelberg University
Classification: Pathogenic for CHEK2-related cancer predisposition. Last evaluated: 2025-11-26. Review status: criteria provided, single submitter. Criteria: ACMG Guidelines, 2015. Collection method: clinical testing. Allele origin: maternal. Affected: no. Observed: 2 variant alleles.
Comment: PVS1, PS3_MOD, PS4_SUP

Clinical Genetics Laboratory, University Hospital Schleswig-Holstein
Classification: Pathogenic for CHEK2-related cancer predisposition. Last evaluated: 2025-11-21. Review status: criteria provided, single submitter. Criteria: ACMG Guidelines, 2015. Collection method: clinical testing. Allele origin: germline. Observed: 1 heterozygote.
Comment: ACMG criteria applied: PS4, PVS1, PP1_Strong

Praxis Für Humangenetik, Biosciencia MVZ Labor Saar
Classification: Pathogenic for Hereditary cancer-predisposing syndrome. Last evaluated: 2025-11-10. Review status: criteria provided, single submitter. Criteria: ACMG Guidelines, 2015. Collection method: clinical testing. Allele origin: germline.
Comment: PVS1, PS3

Color Diagnostics, LLC DBA Color Health
Classification: Pathogenic for Hereditary cancer-predisposing syndrome. Last evaluated: 2025-11-03. Review status: criteria provided, single submitter. Criteria: ACMG Guidelines, 2015. Collection method: clinical testing. Allele origin: germline.
Comment: This variant deletes 1 nucleotide in exon 11 of the CHEK2 gene, creating a frameshift and premature translation stop signal. This variant is expected to result in an absent or non-functional protein product. A large meta-analysis of breast cancer case-control studies has determined that female carriers of this variant show a relative risk for familial breast cancer of 4.8 (95% CI: [3.3, 7.2]) and cumulative risk at age 70 years of 37% (95% CI: [26, 56]) vs. 7.8% for the population controls (PMID: 18172190). Another meta-analysis has also shown a significant breast cancer risk in heterozygous carriers of this variant (OR=2.75, 95% CI: [2.25, 3.36]) (PMID: 22994785). The ORs and CIs were 2.33 (95% CI: [1.79, 3.05]), 3.72 (95% CI: [2.61, 5.31]) and 2.78 (95% CI: [2.28, 3.39]), respectively, in unselected, family, early-onset breast cancer subgroups in this study. This variant has been observed in individuals affected with colorectal cancer, but whether this variant is associated with increased risk of colorectal cancer remains uncertain (PMID: 21807500, 28135145, 28734145). This variant is well documented as a breast cancer-associated variant in the literature and in the public database (ClinVar variation ID: 128042). This variant has been identified in 591/280390 chromosomes in the general population by the Genome Aggregation Database (gnomAD). Loss of CHEK2 function is a known mechanism of disease. Based on the available evidence, this variant is classified as Pathogenic.

3billion
Classification: Pathogenic for CHEK2-related cancer predisposition. Last evaluated: 2025-09-17. Review status: criteria provided, single submitter. Criteria: ACMG Guidelines, 2015. Collection method: clinical testing. Allele origin: germline. Affected: yes.
Comment: The variant is observed at an allele frequency greater than expected for the associated disorder in the gnomAD v4.1.0 dataset and therefore considered benign. Predicted Consequence/Location: Frameshift: predicted to result in a loss or disruption of normal protein function through nonsense-mediated decay (NMD) or protein truncation. Multiple pathogenic variants are reported downstream of the variant. The variant has been reported at least twice as pathogenic with clinical assertions and evidence for the classification (ClinVar ID: VCV000128042 /PMID: 10617473). Therefore, this variant is classified as Pathogenic according to the recommendation of ACMG/AMP guideline.

Cambridge Genomics Laboratory, East Genomic Laboratory Hub, NHS Genomic Medicine Service
Classification: Pathogenic for Inherited prostate cancer. Last evaluated: 2025-08-08. Review status: criteria provided, single submitter. Criteria: ACGS Best Practice Guidelines for Variant Classification in Rare Disease 2020. Collection method: clinical testing. Allele origin: germline. Affected: yes.
Comment: PVS1,PS4,PM5_Supporting